The following is an entry in ClinVar:

ClinVar aggregate classification (germline): Uncertain significance (1 of 4 stars; one submission).

Allele frequency attached by ClinVar (database versions not stated): TOPMed below 0.00001; gnomAD 0.00001.

Submission:

Labcorp Genetics (formerly Invitae), Labcorp
Classification: Uncertain significance. Last evaluated: 2024-04-14. Review status: criteria provided, single submitter. Criteria: Invitae Variant Classification Sherloc (09022015). Collection method: clinical testing. Allele origin: germline.
Comment: This sequence change replaces arginine, which is basic and polar, with proline, which is neutral and non-polar, at codon 208 of the IRF2BP2 protein (p.Arg208Pro). This variant is not present in population databases (gnomAD no frequency). This variant has not been reported in the literature in individuals affected with IRF2BP2-related conditions. An algorithm developed to predict the effect of missense changes on protein structure and function (PolyPhen-2) suggests that this variant is likely to be disruptive. In summary, the available evidence is currently insufficient to determine the role of this variant in disease. Therefore, it has been classified as a Variant of Uncertain Significance.

NM_182972.3(IRF2BP2):c.623G>C (p.Arg208Pro)

Genes: IRF2BP2 (interferon regulatory factor 2 binding protein 2; minus strand), LOC129932811 (ATAC-STARR-seq lymphoblastoid silent region 1976; plus strand). Cytogenetic location: 1q42.3.
Variant type: single nucleotide variant.
Coding change: c.623G>C on transcript NM_182972.3 (MANE Select); coding-DNA position 623, G replaced by C.
Protein change: p.Arg208Pro; replaces arginine 208 with proline.
Molecular consequence: missense variant.
Genome position (GRCh38, 1-based): chr1:234,608,872, C>G on the plus strand (G>C on the coding strand, the complement: IRF2BP2 is on the minus strand). VCF-style: chr1-234608872-C-G. GRCh37 (hg19) VCF-style: chr1-234744618-C-G.
Other names: c.623G>C, p.Arg208Pro (NM_001077397.1); short protein forms R208P.
Identifiers: ClinVar variation 2991068 (VCV002991068.3), dbSNP rs1410653087, ClinGen allele CA345309271.
Genomic context (GRCh38, chr1:234,608,872, plus strand): 5'-TGCGCGGAGCCCAGGCTGGCGGCCGCGGTTCCGGACACCGCGGCTAAGGAGGCGGCAGCG[C>G]GGCCGCCGAGGCCGAGCGCGGTGGGCAGCGGCGTGGCCGAGCCGTTCATGAGCGGCACCA-3'
Protein context (NP_892017.2, residues 198-218): PLPTALGLGG[Arg208Pro]AAASLAAVSG